The following is an entry in ClinVar:

ClinVar aggregate classification (germline): Uncertain significance (1 of 4 stars; one submission).

Conditions:
Autosomal dominant limb-girdle muscular dystrophy type 1D (DNAJB6) (LGMDD1). Also called: MUSCULAR DYSTROPHY, LIMB-GIRDLE, TYPE 1D; MUSCULAR DYSTROPHY, AUTOSOMAL DOMINANT, WITH RIMMED VACUOLES; Autosomal dominant limb-girdle muscular dystrophy type 1D; Muscular dystrophy, limb-girdle, autosomal dominant 1. Identifiers: Orphanet 34516, MedGen C4721885, MONDO:0021018, OMIM 603511.

Allele frequency attached by ClinVar (database versions not stated): gnomAD exomes below 0.00001.
gnomAD v4.1: 1 of 1,611,424 alleles (0.000062%); highest among the groups gnomAD compares: Non-Finnish European, 0.000085%; no homozygotes.

Submission:

Labcorp Genetics (formerly Invitae), Labcorp
Classification: Uncertain significance for Autosomal dominant limb-girdle muscular dystrophy type 1D (DNAJB6). Last evaluated: 2016-11-08. Review status: criteria provided, single submitter. Criteria: Invitae Variant Classification Sherloc (09022015). Collection method: clinical testing. Allele origin: germline.
Comment: In summary, this variant is a novel missense change that is not predicted to affect protein function. There is no indication that it causes disease, but the available evidence is currently insufficient to prove that conclusively. Therefore, it has been classified as a Variant of Uncertain Significance. Algorithms developed to predict the effect of missense changes on protein structure and function output the following: (SIFT: "Tolerated"; PolyPhen-2: "Benign"; Align-GVGD: "Class C0"). The glycine amino acid residue is found in multiple mammalian species, suggesting that this missense change does not adversely affect protein function. These predictions have not been confirmed by published functional studies. This variant is not present in population databases (ExAC no frequency) and has not been reported in the literature in individuals with a DNAJB6-related disease. This sequence change replaces serine with glycine at codon 85 of the DNAJB6 protein (p.Ser85Gly). The serine residue is weakly conserved and there is a small physicochemical difference between serine and glycine.

NM_058246.4(DNAJB6):c.253A>G (p.Ser85Gly)

Gene: DNAJB6 (DnaJ heat shock protein family (Hsp40) member B6; plus strand). Cytogenetic location: 7q36.3.
Variant type: single nucleotide variant.
Coding change: c.253A>G on transcript NM_058246.4 (MANE Select); coding-DNA position 253, A replaced by G.
Protein change: p.Ser85Gly; replaces serine 85 with glycine.
Molecular consequence: missense variant.
Genome position (GRCh38, 1-based): chr7:157,367,390, A>G. VCF-style: chr7-157367390-A-G. GRCh37 (hg19) VCF-style: chr7-157160084-A-G.
Other names: c.253A>G, p.Ser85Gly (NM_001363676.1, NM_005494.3); short protein forms S85G.
Identifiers: ClinVar variation 471340 (VCV000471340.9), dbSNP rs1554458350, ClinGen allele CA370166062.